The following is an entry in ClinVar:

NM_000207.3(INS):c.310C>T (p.Gln104Ter)

Genes: INS (insulin; minus strand), INS-IGF2 (INS-IGF2 readthrough; minus strand). Cytogenetic location: 11p15.5.
Variant type: single nucleotide variant.
Coding change: c.310C>T on transcript NM_000207.3 (MANE Select); coding-DNA position 310, C replaced by T.
Protein change: p.Gln104Ter; replaces glutamine 104 with a stop codon.
Molecular consequence: nonsense. On other transcripts: intron variant (1).
Genome position (GRCh38, 1-based): chr11:2,159,875, G>A on the plus strand (C>T on the coding strand, the complement: INS is on the minus strand). VCF-style: chr11-2159875-G-A. GRCh37 (hg19) VCF-style: chr11-2181105-G-A.
Other names: c.310C>T, p.Gln104Ter (NM_001185097.2, NM_001185098.2, NM_001291897.2); c.187+910C>T (NM_001042376.3); short protein forms Q104*.
Identifiers: ClinVar variation 4728583 (VCV004728583.1).

ClinVar aggregate classification (germline): Uncertain significance (1 of 4 stars; one submission).

Submission:

Labcorp Genetics (formerly Invitae), Labcorp
Classification: Uncertain significance. Last evaluated: 2025-10-06. Review status: criteria provided, single submitter. Criteria: Invitae Variant Classification Sherloc (09022015). Collection method: clinical testing. Allele origin: germline.
Comment: This sequence change creates a premature translational stop signal (p.Gln104*) in the INS gene. While this is not anticipated to result in nonsense mediated decay, it is expected to disrupt the last 7 amino acid(s) of the INS protein. This variant is not present in population databases (gnomAD no frequency). This variant has not been reported in the literature in individuals affected with INS-related conditions. Experimental studies and prediction algorithms are not available or were not evaluated, and the functional significance of this variant is currently unknown. In summary, the available evidence is currently insufficient to determine the role of this variant in disease. Therefore, it has been classified as a Variant of Uncertain Significance.